The following is an entry in ClinVar:

NM_000489.6(ATRX):c.250T>G (p.Ser84Ala)

Gene: ATRX (ATRX chromatin remodeler; minus strand). Cytogenetic location: Xq21.1.
Variant type: single nucleotide variant.
Coding change: c.250T>G on transcript NM_000489.6 (MANE Select); coding-DNA position 250, T replaced by G.
Protein change: p.Ser84Ala; replaces serine 84 with alanine.
Molecular consequence: missense variant.
Genome position (GRCh38, 1-based): chrX:77,696,697, A>C on the plus strand (T>G on the coding strand, the complement: ATRX is on the minus strand). VCF-style: chrX-77696697-A-C. GRCh37 (hg19) VCF-style: chrX-76952185-A-C.
Other names: c.250T>G, p.Ser84Ala (NM_138270.5); short protein forms S84A.
Identifiers: ClinVar variation 1318875 (VCV001318875.2), dbSNP rs1569540556, ClinGen allele CA413724198.

ClinVar aggregate classification (germline): Uncertain significance (1 of 4 stars; one submission).

Allele frequency attached by ClinVar (database versions not stated): gnomAD exomes 0.00001 and below 0.00001.
gnomAD v4.1: 1 of 1,195,785 alleles (0.000084%); highest among the groups gnomAD compares: Non-Finnish European, 0.00011%; no homozygotes.

Submission:

GeneDx
Classification: Uncertain significance. Last evaluated: 2021-02-12. Review status: criteria provided, single submitter. Criteria: GeneDx Variant Classification Process June 2021. Collection method: clinical testing. Allele origin: germline. Affected: yes.
Comment: Not observed at a significant frequency in large population cohorts (Lek et al., 2016); In silico analysis supports that this missense variant does not alter protein structure/function; Has not been previously published as pathogenic or benign to our knowledge